The following is an entry in ClinVar:

NM_015107.3(PHF8):c.197G>A (p.Arg66His)

Gene: PHF8 (PHD finger protein 8; minus strand). Cytogenetic location: Xp11.22.
Variant type: single nucleotide variant.
Coding change: c.197G>A on transcript NM_015107.3 (MANE Select); coding-DNA position 197, G replaced by A.
Protein change: p.Arg66His; replaces arginine 66 with histidine.
Molecular consequence: missense variant.
Genome position (GRCh38, 1-based): chrX:54,022,355, C>T on the plus strand (G>A on the coding strand, the complement: PHF8 is on the minus strand). VCF-style: chrX-54022355-C-T. GRCh37 (hg19) VCF-style: chrX-54048788-C-T.
Other names: c.305G>A, p.Arg102His (NM_001184896.1); c.197G>A, p.Arg66His (NM_001184897.2, NM_001184898.2); short protein forms R66H, R102H.
Identifiers: ClinVar variation 1030461 (VCV001030461.24), dbSNP rs1557110261, ClinGen allele CA413246652.

ClinVar aggregate classification (germline): Uncertain significance. Review status: criteria provided, multiple submitters, no conflicts (2 of 4 stars). 3 submissions from 3 submitters: Uncertain significance (3). Last evaluated 2023-12-01.

Conditions:
Intellectual developmental disorder, X-linked, syndromic, Siderius type. Also called: Syndromic X-linked intellectual disability Siderius type. Identifiers: Orphanet 85287, MedGen C1846055, MONDO:0010286, OMIM 300263.

Allele frequency attached by ClinVar (database versions not stated): gnomAD below 0.00001 and 0.00001; TOPMed below 0.00001; gnomAD exomes 0.00001 and below 0.00001.
gnomAD v4.1: 5 of 1,192,318 alleles (0.00042%); highest among the groups gnomAD compares: East Asian, 0.0089%; no homozygotes.

Submissions (3):

CeGaT Center for Human Genetics Tuebingen
Classification: Uncertain significance. Last evaluated: 2023-12-01. Review status: criteria provided, single submitter. Criteria: CeGaT Center For Human Genetics Tuebingen Variant Classification Criteria Version 2. Collection method: clinical testing. Allele origin: germline. Affected: yes. Observed: 1 variant allele.
Comment: PHF8: PP2

GeneDx
Classification: Uncertain significance. Last evaluated: 2023-03-22. Review status: criteria provided, single submitter. Criteria: GeneDx Variant Classification Process June 2021. Collection method: clinical testing. Allele origin: germline. Affected: yes.
Comment: In silico analysis supports that this missense variant does not alter protein structure/function; Has not been previously published as pathogenic or benign to our knowledge

Baylor Genetics
Classification: Uncertain significance for Intellectual developmental disorder, X-linked, syndromic, Siderius type. Last evaluated: 2020-02-27. Review status: criteria provided, single submitter. Criteria: ACMG Guidelines, 2015. Collection method: clinical testing. Allele origin: unknown. Affected: yes.
Comment: This variant was determined to be of uncertain significance according to ACMG Guidelines, 2015 [PMID:25741868].